The following is an entry in ClinVar:

NM_014846.4(WASHC5):c.2542G>C (p.Asp848His)

Genes: WASHC5 (WASH complex subunit 5; minus strand), WASHC5-AS1 (WASHC5 antisense RNA 1; plus strand). Cytogenetic location: 8q24.13.
Variant type: single nucleotide variant.
Coding change: c.2542G>C on transcript NM_014846.4 (MANE Select); coding-DNA position 2542, G replaced by C.
Protein change: p.Asp848His; replaces aspartic acid 848 with histidine.
Molecular consequence: missense variant. On other transcripts: non-coding transcript variant (1).
Genome position (GRCh38, 1-based): chr8:125,044,661, C>G on the plus strand (G>C on the coding strand, the complement: WASHC5 is on the minus strand). VCF-style: chr8-125044661-C-G. GRCh37 (hg19) VCF-style: chr8-126056903-C-G.
Other names: c.2098G>C, p.Asp700His (NM_001330609.2); short protein forms D700H, D848H.
Identifiers: ClinVar variation 1327241 (VCV001327241.2), dbSNP rs376973320, ClinGen allele CA4873492.
Genomic context (GRCh38, chr8:125,044,661, plus strand): 5'-AGGTGGTCTGGATTTCTGAGAAGAGGCGGCTGCTGGTCACTTCCTGATGAGTTTTCATAT[C>G]ATACCAAGTGTTCAGCTGGTCTATGTGACATGTCATTCTAAAATGAAAACAATGCAAAAA-3'
Protein context (NP_055661.3, residues 838-858): CHIDQLNTWY[Asp848His]MKTHQEVTSS

ClinVar aggregate classification (germline): Uncertain significance (1 of 4 stars; one submission).

Allele frequency attached by ClinVar (database versions not stated): gnomAD exomes 0.00001 and 0.00004; gnomAD 0.00005; ExAC 0.00006; TOPMed 0.00007; ESP Exome Variant Server 0.00008.

Submission:

GeneDx
Classification: Uncertain significance. Last evaluated: 2021-11-30. Review status: criteria provided, single submitter. Criteria: GeneDx Variant Classification Process June 2021. Collection method: clinical testing. Allele origin: germline. Affected: yes.
Comment: In silico analysis supports that this missense variant has a deleterious effect on protein structure/function; Has not been previously published as pathogenic or benign to our knowledge